The following is an entry in ClinVar:

NM_004525.3(LRP2):c.9054_9055del (p.Cys3018fs)

Gene: LRP2 (LDL receptor related protein 2; minus strand). Cytogenetic location: 2q31.1.
Variant type: Microsatellite.
Coding change: c.9054_9055del on transcript NM_004525.3 (MANE Select); coding-DNA positions 9054 to 9055, 2 bases deleted (TG; older notation c.9054_9055delTG).
Protein change: p.Cys3018fs; shifts the reading frame from cysteine 3018.
Molecular consequence: frameshift variant.
Genome position (GRCh38, 1-based): chr2:169,188,243-169,188,244, CA deleted on the plus strand (TG on the coding strand, the reverse complement: LRP2 is on the minus strand); deleting any 2 consecutive bases within chr2:169,188,243-169,188,246 gives the same sequence; the c. name uses the placement nearest the transcript's 3' end. VCF-style (leftmost placement, unchanged base first): chr2-169188242-CCA-C. GRCh37 (hg19) VCF-style: chr2-170044752-CCA-C.
Other names: short protein forms C3018fs.
Identifiers: ClinVar variation 5014390 (VCV005014390.1).

ClinVar aggregate classification (germline): Pathogenic (1 of 4 stars; one submission).

Conditions:
Donnai-Barrow syndrome. Also called: DBS/FOAR SYNDROME; FACIOOCULOACOUSTICORENAL SYNDROME. Identifiers: Orphanet 2143, MedGen C1857277, MONDO:0009104, OMIM 222448.

Submission:

Myriad Genetics, Inc.
Classification: Pathogenic for Donnai-Barrow syndrome. Last evaluated: 2025-05-06. Review status: criteria provided, single submitter. Criteria: Myriad Autosomal Dominant, Autosomal Recessive and X-Linked Classification Criteria (2023). Collection method: clinical testing. Allele origin: unknown.
Comment: NM_004525.2(LRP2):c.9054_9055delTG(C3018Wfs*2) is expected to be pathogenic in the context of Donnai-Barrow syndrome. This variant is predicted to lead to an abnormal or absent protein product due to the creation of a premature termination codon in LRP2, a gene where loss-of-function variants are known to be pathogenic. Please note: this variant was assessed in the context of healthy population screening.